The following is an entry in ClinVar:

ClinVar aggregate classification (germline): Likely pathogenic (1 of 4 stars; one submission).

Conditions:
Fabry disease. Also called: ALPHA-GALACTOSIDASE A DEFICIENCY; ANDERSON-FABRY DISEASE; CERAMIDE TRIHEXOSIDASE DEFICIENCY; GLA DEFICIENCY; HEREDITARY DYSTOPIC LIPIDOSIS; Angiokeratoma corporis diffusum. Identifiers: Orphanet 324, MedGen C0002986, MONDO:0010526, OMIM 301500, HP:0001071. Disease mechanism: Fabry disease is due to inactivating mutations in the X-linked GLA gene resulting in deficiency of the enzyme Alpha Galactosidase-A., loss of function.

Submission:

Genomenon, Inc
Classification: Likely pathogenic for Fabry disease. Last evaluated: 2026-09-08. Review status: criteria provided, single submitter. Criteria: Genomenon Sequence Variant Interpretation Standards - Updated. Collection method: curation. Allele origin: germline. Affected: yes.
Comment: GLA p.Cys94Arg (c.280T>C) is a missense variant that changes the amino acid at codon 94 from Cysteine to Arginine. This variant has been observed in at least one proband with clinical features consistent with Fabry disease (PMID:31321922). Functional or patient cell studies have been reported (PMID:38474401;31321922). This variant is located in a mutational hotspot and/or important functional domain. It is absent or not present at a significant frequency in gnomAD. In silico models predict that this variant is possibly or probably damaging. In conclusion, we classify GLA p.Cys94Arg (c.280T>C) as a likely pathogenic variant.

Literature cited by the submitters: PubMed 31321922; PubMed 38474401.

NM_000169.3(GLA):c.280T>C (p.Cys94Arg)

Genes: GLA (galactosidase alpha; minus strand), RPL36A-HNRNPH2 (RPL36A-HNRNPH2 readthrough; plus strand). Cytogenetic location: Xq22.1.
Variant type: single nucleotide variant.
Coding change: c.280T>C on transcript NM_000169.3 (MANE Select); coding-DNA position 280, T replaced by C.
Protein change: p.Cys94Arg; replaces cysteine 94 with arginine.
Molecular consequence: missense variant. On other transcripts: non-coding transcript variant (3), intron variant (2).
Genome position (GRCh38, 1-based): chrX:101,403,900, A>G on the plus strand (T>C on the coding strand, the complement: GLA is on the minus strand). VCF-style: chrX-101403900-A-G. GRCh37 (hg19) VCF-style: chrX-100658888-A-G.
Other names: c.403T>C, p.Cys135Arg (NM_001406747.1, NM_001406749.1); c.280T>C, p.Cys94Arg (NM_001406748.1); c.301-8036A>G (NM_001199973.2); c.178-8036A>G (NM_001199974.2); short protein forms C135R, C94R.
Identifiers: ClinVar variation 4087327 (VCV004087327.2).
Genomic context (GRCh38, chrX:101,403,900, plus strand): 5'-GAAAGCGCTGAGGGTCTGCCTGAAGTCTGCCTTCTGAATCTCTTTGGGGAGCCATCCAAC[A>G]GTCATCAATGCAGAGGTACTCATAACCTGCATCCTTCCAGCCTTCTGAGACCATGAGCTC-3'
Protein context (NP_000160.1, residues 84-104): AGYEYLCIDD[Cys94Arg]WMAPQRDSEG